The following is an entry in ClinVar:

NM_025114.4(CEP290):c.6418_6419insC (p.Val2140fs)

Gene: CEP290 (centrosomal protein 290; minus strand). Cytogenetic location: 12q21.32.
Variant type: Insertion.
Coding change: c.6418_6419insC on transcript NM_025114.4 (MANE Select); coding-DNA positions 6418 to 6419, C inserted.
Protein change: p.Val2140fs; shifts the reading frame from valine 2140.
Molecular consequence: frameshift variant.
Genome position: GRCh38 VCF-style: chr12-88060933-A-AG. GRCh37 (hg19) VCF-style: chr12-88454710-A-AG.
Other names: short protein forms V2140fs.
Identifiers: ClinVar variation 1070282 (VCV001070282.8), dbSNP rs2136751258, ClinGen allele CA912974268.
Genomic context (GRCh38, chr12:88,060,933, plus strand): 5'-CTAGTCAATATTCCTGATGCTTTTTTCAACTGTTCATTTTCTCTCTGGACTTTTTCAACT[A>AG]CTTTTTTCATTAAACCAATGGTTTTTTCCAGTTCTGGGATTGTCTTTCCACTTCTACCAG-3'

ClinVar aggregate classification (germline): Pathogenic. Review status: criteria provided, multiple submitters, no conflicts (2 of 4 stars). 2 submissions from 2 submitters: Pathogenic (2). Last evaluated 2025-07-13.

Conditions:
CEP290-related ciliopathy. Also called: CEP290 ciliopathy. Identifiers: MedGen CN305601, MONDO:0100451.
Meckel-Gruber syndrome. Also called: DYSENCEPHALIA SPLANCHNOCYSTICA; Dysencephalia splachnocystica; GRUBER SYNDROME. Identifiers: Orphanet 564, MedGen C0265215, MONDO:0018921.
Joubert syndrome. Also called: JOUBERT-BOLTSHAUSER SYNDROME; Familial aplasia of the vermis. Identifiers: Orphanet 475, MedGen C5979921, MONDO:0018772.
Nephronophthisis. Also called: Juvenile Nephronophthisis. Identifiers: Orphanet 655, MedGen C0687120, MONDO:0019005, HP:0000090.

Submissions (2):

Myriad Genetics, Inc.
Classification: Pathogenic for CEP290-related ciliopathy. Last evaluated: 2025-07-13. Review status: criteria provided, single submitter. Criteria: Myriad Autosomal Dominant, Autosomal Recessive and X-Linked Classification Criteria (2023). Collection method: clinical testing. Allele origin: unknown.
Comment: NM_025114.3(CEP290):c.6418_6419insC(V2140Afs*3) is expected to be pathogenic in the context of CEP290-related disorders. This variant is predicted to lead to an abnormal or absent protein product due to the creation of a premature termination codon in CEP290, a gene where loss-of-function variants are known to be pathogenic. Please note: this variant was assessed in the context of healthy population screening.

Labcorp Genetics (formerly Invitae), Labcorp
Classification: Pathogenic for Joubert syndrome; Meckel-Gruber syndrome; Nephronophthisis. Last evaluated: 2021-08-11. Review status: criteria provided, single submitter. Criteria: Invitae Variant Classification Sherloc (09022015). Collection method: clinical testing. Allele origin: germline.
Comment: Loss-of-function variants in CEP290 are known to be pathogenic (PMID: 16909394, 17345604, 20690115, 25377065, 28559085). This variant has not been reported in the literature in individuals with CEP290-related conditions. This variant is not present in population databases (ExAC no frequency). This sequence change creates a premature translational stop signal (p.Val2140Alafs*3) in the CEP290 gene. It is expected to result in an absent or disrupted protein product. For these reasons, this variant has been classified as Pathogenic.

Literature cited by the submitters: PubMed 16909394 (cited by Labcorp Genetics (formerly Invitae), Labcorp); PubMed 17345604 (cited by Labcorp Genetics (formerly Invitae), Labcorp); PubMed 20690115 (cited by Labcorp Genetics (formerly Invitae), Labcorp); PubMed 25377065 (cited by Labcorp Genetics (formerly Invitae), Labcorp); PubMed 28559085 (cited by Labcorp Genetics (formerly Invitae), Labcorp).